The following is an entry in ClinVar:

NM_000548.5(TSC2):c.1494G>A (p.Glu498=)

Gene: TSC2 (TSC complex subunit 2; plus strand). Cytogenetic location: 16p13.3.
Variant type: single nucleotide variant.
Coding change: c.1494G>A on transcript NM_000548.5 (MANE Select); coding-DNA position 1494, G replaced by A.
Protein change: p.Glu498=; no amino-acid change (glutamic acid 498 retained).
Molecular consequence: synonymous variant.
Genome position (GRCh38, 1-based): chr16:2,064,322, G>A. VCF-style: chr16-2064322-G-A. GRCh37 (hg19) VCF-style: chr16-2114323-G-A.
Other names: c.1494G>A, p.Glu498= (NM_001077183.3, NM_001114382.3, NM_001363528.2 and 3 more transcripts); c.1383G>A, p.Glu461= (NM_001318827.2); c.1347G>A, p.Glu449= (NM_001318829.2); c.894G>A, p.Glu298= (NM_001318831.2); c.1527G>A, p.Glu509= (NM_001318832.2).
Identifiers: ClinVar variation 486618 (VCV000486618.22), dbSNP rs780112077, ClinGen allele CA030885.
Genomic context (GRCh38, chr16:2,064,322, plus strand): 5'-GCCTGTGCAGGAGGAGCTGATTAACTCAGTGGTCATCTCGCAGCTCTCCCACATCCCCGA[G>A]GATAAAGACCACCAGGTCCGAAAGCTGGCCACCCAGTTGCTGGTGGACCTGGCAGAGGGC-3'
Protein context (NP_000539.2, residues 488-508): VVISQLSHIP[Glu498=]DKDHQVRKLA

ClinVar aggregate classification (germline): Benign/Likely benign. Review status: criteria provided, multiple submitters, no conflicts (2 of 4 stars). 6 submissions from 6 submitters: Benign (3); Likely benign (3). Last evaluated 2025-12-03.

Conditions:
Tuberous sclerosis syndrome (TSC). Also called: Tuberous Sclerosis Complex; Tuberous sclerosis. Identifiers: Orphanet 805, MedGen C0041341, MONDO:0001734.
Tuberous sclerosis 2 (TSC2). Identifiers: Orphanet 805, MedGen C1860707, MONDO:0013199, OMIM 613254.
Hereditary cancer-predisposing syndrome. Also called: Tumor predisposition; Neoplastic Syndromes, Hereditary; Hereditary Cancer Syndrome; Hereditary neoplastic syndrome. Identifiers: Orphanet 140162, MedGen C0027672, MeSH D009386, MONDO:0015356.

Allele frequency attached by ClinVar (database versions not stated): gnomAD exomes below 0.00001 and 0.00001; ExAC 0.00001; gnomAD 0.00001; TOPMed 0.00001.
gnomAD v4.1: 6 of 1,613,736 alleles (0.00037%); highest among the groups gnomAD compares: African/African-American, 0.0013%; no homozygotes.

Submissions (6):

Labcorp Genetics (formerly Invitae), Labcorp
Classification: Benign for Tuberous sclerosis 2. Last evaluated: 2025-12-03. Review status: criteria provided, single submitter. Criteria: Invitae Variant Classification Sherloc (09022015). Collection method: clinical testing. Allele origin: germline.

Myriad Genetics, Inc.
Classification: Benign for Tuberous sclerosis 2. Last evaluated: 2025-05-14. Review status: criteria provided, single submitter. Criteria: Myriad Autosomal Dominant, Autosomal Recessive and X-Linked Classification Criteria (2023). Collection method: clinical testing. Allele origin: unknown.
Comment: This variant is considered benign. This variant is a silent/synonymous amino acid change and it is not expected to impact splicing.

All of Us Research Program, National Institutes of Health
Classification: Likely benign for Tuberous sclerosis syndrome. Last evaluated: 2024-03-24. Review status: criteria provided, single submitter. Criteria: ACMG Guidelines, 2015. Collection method: clinical testing. Allele origin: germline. Inheritance: Autosomal dominant inheritance. Observed: 4 variant alleles, 4 heterozygotes.
Comment: This study involves interpretation of variants in research participants for the purpose of population health screening. Participant phenotype was not available at the time of variant classification. Additional details can be found in publication PMID: 35346344, PMCID: PMC8962531

Color Diagnostics, LLC DBA Color Health
Classification: Likely benign for Tuberous sclerosis syndrome. Last evaluated: 2023-05-01. Review status: criteria provided, single submitter. Criteria: ACMG Guidelines, 2015. Collection method: clinical testing. Allele origin: germline.

Genome-Nilou Lab
Classification: Benign for Tuberous sclerosis 2. Last evaluated: 2021-11-07. Review status: criteria provided, single submitter. Criteria: ACMG Guidelines, 2015. Collection method: clinical testing. Allele origin: germline. Affected: no.

Ambry Genetics
Classification: Likely benign for Hereditary cancer-predisposing syndrome. Last evaluated: 2016-05-18. Review status: criteria provided, single submitter. Criteria: Ambry Variant Classification Scheme 2023. Collection method: clinical testing. Allele origin: germline.